The following is an entry in ClinVar:

NM_001378615.1(CC2D2A):c.3084G>A (p.Arg1028=)

Genes: CC2D2A (coiled-coil and C2 domain containing 2A; plus strand), FBXL5 (F-box and leucine rich repeat protein 5; minus strand). Cytogenetic location: 4p15.32.
Variant type: single nucleotide variant.
Coding change: c.3084G>A on transcript NM_001378615.1 (MANE Select); coding-DNA position 3084, G replaced by A.
Protein change: p.Arg1028=; no amino-acid change (arginine 1028 retained).
Molecular consequence: synonymous variant.
Genome position (GRCh38, 1-based): chr4:15,563,424, G>A. VCF-style: chr4-15563424-G-A. GRCh37 (hg19) VCF-style: chr4-15565047-G-A.
Other names: c.3084G>A, p.Arg1028= (NM_001080522.2); c.2937G>A, p.Arg979= (NM_001378617.1).
Identifiers: ClinVar variation 3752859 (VCV003752859.3).

ClinVar aggregate classification (germline): Likely benign. Review status: criteria provided, multiple submitters, no conflicts (2 of 4 stars). 2 submissions from 2 submitters: Likely benign (2). Last evaluated 2025-02-17.

Conditions:
Joubert syndrome. Also called: JOUBERT-BOLTSHAUSER SYNDROME; Familial aplasia of the vermis. Identifiers: Orphanet 475, MedGen C5979921, MONDO:0018772.
Meckel-Gruber syndrome. Also called: DYSENCEPHALIA SPLANCHNOCYSTICA; GRUBER SYNDROME; Dysencephalia splachnocystica. Identifiers: Orphanet 564, MedGen C0265215, MONDO:0018921.
CC2D2A-related disorder. Also called: CC2D2A-related condition; CC2D2A-related disorders. Identifiers: MedGen CN239313.

gnomAD v4.1: 8 of 1,610,234 alleles (0.0005%); highest among the groups gnomAD compares: Non-Finnish European, 0.00051%; no homozygotes.

Submissions (2):

PreventionGenetics, part of Exact Sciences
Classification: Likely benign for CC2D2A-related condition. Last evaluated: 2025-02-17. Review status: criteria provided, single submitter. Criteria: ACMG Guidelines, 2015. Collection method: clinical testing. Allele origin: germline.
Comment: This variant is classified as likely benign based on ACMG/AMP sequence variant interpretation guidelines (Richards et al. 2015 PMID: 25741868, with internal and published modifications).

Labcorp Genetics (formerly Invitae), Labcorp
Classification: Likely benign for Joubert syndrome; Meckel-Gruber syndrome. Last evaluated: 2024-12-24. Review status: criteria provided, single submitter. Criteria: Invitae Variant Classification Sherloc (09022015). Collection method: clinical testing. Allele origin: germline.